The following is an entry in ClinVar:

NM_021625.5(TRPV4):c.2341G>C (p.Asp781His)

Gene: TRPV4 (transient receptor potential cation channel subfamily V member 4; minus strand). Cytogenetic location: 12q24.11.
Variant type: single nucleotide variant.
Coding change: c.2341G>C on transcript NM_021625.5 (MANE Select); coding-DNA position 2341, G replaced by C.
Protein change: p.Asp781His; replaces aspartic acid 781 with histidine.
Molecular consequence: missense variant.
Genome position (GRCh38, 1-based): chr12:109,784,433, C>G on the plus strand (G>C on the coding strand, the complement: TRPV4 is on the minus strand). VCF-style: chr12-109784433-C-G. GRCh37 (hg19) VCF-style: chr12-110222238-C-G.
Other names: c.2200G>C, p.Asp734His (NM_001177428.2); c.2239G>C, p.Asp747His (NM_001177431.2); c.2020G>C, p.Asp674His (NM_001177433.2); c.2161G>C, p.Asp721His (NM_147204.3); short protein forms D674H, D721H, D734H, D747H, D781H.
Identifiers: ClinVar variation 4874607 (VCV004874607.2).

ClinVar aggregate classification (germline): Uncertain significance (1 of 4 stars; one submission).

Submission:

CeGaT Center for Human Genetics Tuebingen
Classification: Uncertain significance. Last evaluated: 2026-04-01. Review status: criteria provided, single submitter. Criteria: CeGaT Center For Human Genetics Tuebingen Variant Classification Criteria Version 2. Collection method: clinical testing. Allele origin: germline. Affected: yes. Observed: 1 variant allele.
Comment: TRPV4: PM2, PP3